The following is an entry in ClinVar:

ClinVar aggregate classification (germline): Likely benign (1 of 4 stars; one submission).

Allele frequency attached by ClinVar (database versions not stated): TOPMed 0.00059; ESP Exome Variant Server 0.00074.
gnomAD v4.1: 1,574 of 1,614,052 alleles (0.098%); highest among the groups gnomAD compares: Non-Finnish European, 0.12%; 2 homozygotes.

Submission:

CeGaT Center for Human Genetics Tuebingen
Classification: Likely benign. Last evaluated: 2022-10-01. Review status: criteria provided, single submitter. Criteria: CeGaT Center For Human Genetics Tuebingen Variant Classification Criteria Version 2. Collection method: clinical testing. Allele origin: germline. Affected: yes. Observed: 1 variant allele.
Comment: AREL1: BP4, BP7

NM_001039479.2(AREL1):c.1206G>A (p.Val402=)

Gene: AREL1 (apoptosis resistant E3 ubiquitin protein ligase 1; minus strand). Cytogenetic location: 14q24.3.
Variant type: single nucleotide variant.
Coding change: c.1206G>A on transcript NM_001039479.2 (MANE Select); coding-DNA position 1206, G replaced by A.
Protein change: p.Val402=; no amino-acid change (valine 402 retained).
Molecular consequence: synonymous variant.
Genome position (GRCh38, 1-based): chr14:74,673,171, C>T on the plus strand (G>A on the coding strand, the complement: AREL1 is on the minus strand). VCF-style: chr14-74673171-C-T. GRCh37 (hg19) VCF-style: chr14-75139874-C-T.
Other names: c.1176G>A, p.Val392= (NM_001411046.1).
Identifiers: ClinVar variation 2644370 (VCV002644370.24), dbSNP rs202100309, ClinGen allele CA7270678.